The following is an entry in ClinVar:

NM_004006.3(DMD):c.2078A>C (p.Gln693Pro)

Gene: DMD (dystrophin; minus strand). Cytogenetic location: Xp21.1.
Variant type: single nucleotide variant.
Coding change: c.2078A>C on transcript NM_004006.3 (MANE Select); coding-DNA position 2078, A replaced by C.
Protein change: p.Gln693Pro; replaces glutamine 693 with proline.
Molecular consequence: missense variant.
Genome position (GRCh38, 1-based): chrX:32,545,249, T>G on the plus strand (A>C on the coding strand, the complement: DMD is on the minus strand). VCF-style: chrX-32545249-T-G. GRCh37 (hg19) VCF-style: chrX-32563366-T-G.
Other names: c.2054A>C, p.Gln685Pro (NM_000109.4); c.2066A>C, p.Gln689Pro (NM_004009.3); c.1709A>C, p.Gln570Pro (NM_004010.3); short protein forms Q689P, Q570P, Q693P, Q685P.
Identifiers: ClinVar variation 3692222 (VCV003692222.2).
Genomic context (GRCh38, chrX:32,545,249, plus strand): 5'-TGCCTCTTCTTTTGGGGAGGTGGTGGTGGAAGTTCCTCTTGAGCATGCTTTACCAGGATC[T>G]GTTCCCTTGTGGTCACCGTAGTTACTGTTTCCATTACAGTTGTCTGTGTTAGTGATGGCT-3'
Protein context (NP_003997.2, residues 683-703): ETVTTVTTRE[Gln693Pro]ILVKHAQEEL

ClinVar aggregate classification (germline): Uncertain significance (1 of 4 stars; one submission).

Conditions:
Duchenne muscular dystrophy (DMD). Also called: MUSCULAR DYSTROPHY, PSEUDOHYPERTROPHIC PROGRESSIVE, DUCHENNE TYPE; Duchenne Muscular Dystrophy (DMD). Identifiers: Orphanet 98896, MedGen C0013264, MONDO:0010679, OMIM 310200.

Submission:

Labcorp Genetics (formerly Invitae), Labcorp
Classification: Uncertain significance for Duchenne muscular dystrophy. Last evaluated: 2024-04-24. Review status: criteria provided, single submitter. Criteria: Invitae Variant Classification Sherloc (09022015). Collection method: clinical testing. Allele origin: germline.
Comment: This sequence change replaces glutamine, which is neutral and polar, with proline, which is neutral and non-polar, at codon 693 of the DMD protein (p.Gln693Pro). This variant is not present in population databases (gnomAD no frequency). This variant has not been reported in the literature in individuals affected with DMD-related conditions. Advanced modeling of protein sequence and biophysical properties (such as structural, functional, and spatial information, amino acid conservation, physicochemical variation, residue mobility, and thermodynamic stability) performed at Invitae indicates that this missense variant is not expected to disrupt DMD protein function with a negative predictive value of 95%. In summary, the available evidence is currently insufficient to determine the role of this variant in disease. Therefore, it has been classified as a Variant of Uncertain Significance.